The following is an entry in ClinVar:

ClinVar aggregate classification (germline): Uncertain significance. Review status: criteria provided, multiple submitters, no conflicts (2 of 4 stars). 2 submissions from 2 submitters: Uncertain significance (2). Last evaluated 2025-03-28.

Conditions:
TCF20-related disorder. Also called: TCF20-related condition.

Submissions (2):

PreventionGenetics, part of Exact Sciences
Classification: Uncertain significance for TCF20-related condition. Last evaluated: 2025-03-28. Review status: criteria provided, single submitter. Criteria: ACMG Guidelines, 2015. Collection method: clinical testing. Allele origin: germline.
Comment: The TCF20 c.3731A>T variant is predicted to result in the amino acid substitution p.Asp1244Val. To our knowledge, this variant has not been reported in the literature or in a large population database (gnomAD), indicating this variant is rare. At this time, the clinical significance of this variant is uncertain due to the absence of conclusive functional and genetic evidence.

GeneDx
Classification: Uncertain significance. Last evaluated: 2023-10-27. Review status: criteria provided, single submitter. Criteria: GeneDx Variant Classification Process June 2021. Collection method: clinical testing. Allele origin: germline. Affected: yes.
Comment: Not observed at significant frequency in large population cohorts (gnomAD); In silico analysis supports that this missense variant does not alter protein structure/function; Has not been previously published as pathogenic or benign to our knowledge

NM_001378418.1(TCF20):c.3731A>T (p.Asp1244Val)

Gene: TCF20 (transcription factor 20; minus strand). Cytogenetic location: 22q13.2.
Variant type: single nucleotide variant.
Coding change: c.3731A>T on transcript NM_001378418.1 (MANE Select); coding-DNA position 3731, A replaced by T.
Protein change: p.Asp1244Val; replaces aspartic acid 1244 with valine.
Molecular consequence: missense variant.
Genome position (GRCh38, 1-based): chr22:42,211,575, T>A on the plus strand (A>T on the coding strand, the complement: TCF20 is on the minus strand). VCF-style: chr22-42211575-T-A. GRCh37 (hg19) VCF-style: chr22-42607581-T-A.
Other names: c.3731A>T, p.Asp1244Val (NM_005650.4, NM_181492.3); c.3731A>T (NM_005650.1); short protein forms D1244V.
Identifiers: ClinVar variation 3030856 (VCV003030856.4), dbSNP rs2518213022, ClinGen allele CA411785849.